The following is an entry in ClinVar:

NM_020738.4(KIDINS220):c.1068T>C (p.Asp356=)

Gene: KIDINS220 (kinase D interacting substrate 220; minus strand). Cytogenetic location: 2p25.1.
Variant type: single nucleotide variant.
Coding change: c.1068T>C on transcript NM_020738.4 (MANE Select); coding-DNA position 1068, T replaced by C.
Protein change: p.Asp356=; no amino-acid change (aspartic acid 356 retained).
Molecular consequence: synonymous variant. On other transcripts: non-coding transcript variant (2).
Genome position (GRCh38, 1-based): chr2:8,796,801, A>G on the plus strand (T>C on the coding strand, the complement: KIDINS220 is on the minus strand). VCF-style: chr2-8796801-A-G. GRCh37 (hg19) VCF-style: chr2-8936931-A-G.
Other names: p.Asp356=; c.1071T>C, p.Asp357= (NM_001348729.2, NM_001348731.2, NM_001348734.2 and 3 more transcripts); c.1068T>C, p.Asp356= (NM_001348732.2, NM_001348735.2, NM_001348738.2 and 3 more transcripts); c.942T>C, p.Asp314= (NM_001348736.2).
Identifiers: ClinVar variation 713451 (VCV000713451.45), dbSNP rs115226053, ClinGen allele CA1520272.

ClinVar aggregate classification (germline): Benign/Likely benign. Review status: criteria provided, multiple submitters, no conflicts (2 of 4 stars). 8 submissions from 8 submitters: Benign (3); Likely benign (2). 3 of the submissions do not count toward it. Last evaluated 2026-06-01.

Conditions:
KIDINS220-related disorder. Also called: KIDINS220-related condition.

Allele frequency attached by ClinVar (database versions not stated): ExAC 0.00391; ESP Exome Variant Server 0.00456; gnomAD exomes 0.00565 and 0.00337; 1000 Genomes Project 30x 0.00125; 1000 Genomes Project 0.00140; TOPMed 0.00315; gnomAD 0.00354 and 0.00369.
gnomAD v4.1: 8,751 of 1,614,098 alleles (0.54%); highest among the groups gnomAD compares: Non-Finnish European, 0.69%; 23 homozygotes.

Submissions (8):

CeGaT Center for Human Genetics Tuebingen
Classification: Likely benign. Last evaluated: 2026-06-01. Review status: criteria provided, single submitter. Criteria: CeGaT Center For Human Genetics Tuebingen Variant Classification Criteria Version 2. Collection method: clinical testing. Allele origin: germline. Affected: yes. Observed: 18 variant alleles.
Comment: KIDINS220: BP4, BP7, BS2

Labcorp Genetics (formerly Invitae), Labcorp
Classification: Benign. Last evaluated: 2026-01-05. Review status: criteria provided, single submitter. Criteria: Invitae Variant Classification Sherloc (09022015). Collection method: clinical testing. Allele origin: germline.

Mayo Clinic Laboratories, Mayo Clinic
Classification: Benign. Last evaluated: 2025-06-05. Review status: criteria provided, single submitter. Criteria: ACMG Guidelines, 2015. Collection method: clinical testing. Allele origin: germline. Observed: 3 variant alleles.
Comment: BS1, BS2, BP4, BP7

Blueprint Genetics
Classification: Likely benign. Last evaluated: 2024-11-26. Review status: criteria provided, single submitter. Criteria: ACMG Guidelines, 2015. Collection method: clinical testing. Allele origin: germline.

Breakthrough Genomics
Classification: Benign. Review status: criteria provided, single submitter. Criteria: ACMG Guidelines, 2015. Collection method: not provided. Allele origin: germline. Inheritance: Autosomal recessive inheritance. Affected: yes.

PreventionGenetics, part of Exact Sciences
Classification: Benign for KIDINS220-related condition. Last evaluated: 2021-07-12. Review status: no assertion criteria provided. Collection method: clinical testing. Allele origin: germline. Not counted in ClinVar's aggregate classification.
Comment: This variant is classified as benign based on ACMG/AMP sequence variant interpretation guidelines (Richards et al. 2015 PMID: 25741868, with internal and published modifications).

Clinical Genetics DNA and cytogenetics Diagnostics Lab, Erasmus MC, Erasmus Medical Center
Classification: Likely benign. Review status: no assertion criteria provided. Collection method: clinical testing. Allele origin: germline. Affected: yes. Study: VKGL Data-share Consensus. Not counted in ClinVar's aggregate classification.

Clinical Genetics, Academic Medical Center
Classification: Likely benign. Review status: no assertion criteria provided. Collection method: clinical testing. Allele origin: germline. Affected: yes. Study: VKGL Data-share Consensus. Not counted in ClinVar's aggregate classification.